The following is an entry in ClinVar:

ClinVar aggregate classification (germline): Uncertain significance. Review status: criteria provided, multiple submitters, no conflicts (2 of 4 stars). 2 submissions from 2 submitters: Uncertain significance (2). Last evaluated 2024-02-23.

Conditions:
PMM2-congenital disorder of glycosylation. Also called: CDG Ia; JAEKEN SYNDROME; Congenital disorder of glycosylation, type Ia; PMM2-CDG; PHOSPHOMANNOMUTASE 2 DEFICIENCY; CARBOHYDRATE-DEFICIENT GLYCOPROTEIN SYNDROME, TYPE Ia. Identifiers: Orphanet 79318, MedGen C0349653, MONDO:0008907, OMIM 212065.

Allele frequency attached by ClinVar (database versions not stated): gnomAD 0.00001; TOPMed 0.00001.
gnomAD v4.1: 6 of 1,612,954 alleles (0.00037%); highest among the groups gnomAD compares: Non-Finnish European, 0.00051%; no homozygotes.

Submissions (2):

Fulgent Genetics
Classification: Uncertain significance for PMM2-congenital disorder of glycosylation. Last evaluated: 2024-02-23. Review status: criteria provided, single submitter. Criteria: ACMG Guidelines, 2015. Collection method: clinical testing. Allele origin: germline.

Labcorp Genetics (formerly Invitae), Labcorp
Classification: Uncertain significance for PMM2-congenital disorder of glycosylation. Last evaluated: 2021-09-01. Review status: criteria provided, single submitter. Criteria: Invitae Variant Classification Sherloc (09022015). Collection method: clinical testing. Allele origin: germline.
Comment: This sequence change replaces aspartic acid with histidine at codon 199 of the PMM2 protein (p.Asp199His). The aspartic acid residue is moderately conserved and there is a moderate physicochemical difference between aspartic acid and histidine. This variant is not present in population databases (ExAC no frequency). This variant has not been reported in the literature in individuals affected with PMM2-related conditions. Algorithms developed to predict the effect of missense changes on protein structure and function are either unavailable or do not agree on the potential impact of this missense change (SIFT: "Tolerated"; PolyPhen-2: "Possibly Damaging"; Align-GVGD: "Class C0"). In summary, the available evidence is currently insufficient to determine the role of this variant in disease. Therefore, it has been classified as a Variant of Uncertain Significance.

NM_000303.3(PMM2):c.595G>C (p.Asp199His)

Gene: PMM2 (phosphomannomutase 2; plus strand). Cytogenetic location: 16p13.2.
Variant type: single nucleotide variant.
Coding change: c.595G>C on transcript NM_000303.3 (MANE Select); coding-DNA position 595, G replaced by C.
Protein change: p.Asp199His; replaces aspartic acid 199 with histidine.
Molecular consequence: missense variant.
Genome position (GRCh38, 1-based): chr16:8,813,062, G>C. VCF-style: chr16-8813062-G-C. GRCh37 (hg19) VCF-style: chr16-8906919-G-C.
Other names: short protein forms D199H.
Identifiers: ClinVar variation 948685 (VCV000948685.7), dbSNP rs1281138749, ClinGen allele CA394697935.